The following is an entry in ClinVar:

NM_001365951.3(KIF1B):c.1760G>T (p.Arg587Ile)

Gene: KIF1B (kinesin family member 1B; plus strand). Cytogenetic location: 1p36.22.
Variant type: single nucleotide variant.
Coding change: c.1760G>T on transcript NM_001365951.3 (MANE Select); coding-DNA position 1760, G replaced by T.
Protein change: p.Arg587Ile; replaces arginine 587 with isoleucine.
Molecular consequence: missense variant.
Genome position (GRCh38, 1-based): chr1:10,295,749, G>T. VCF-style: chr1-10295749-G-T. GRCh37 (hg19) VCF-style: chr1-10355807-G-T.
Other names: c.1760G>T, p.Arg587Ile (NM_001365952.1); c.1622G>T, p.Arg541Ile (NM_001365953.1, NM_015074.3, NM_183416.4); short protein forms R541I, R587I.
Identifiers: ClinVar variation 3533896 (VCV003533896.2).

ClinVar aggregate classification (germline): Uncertain significance. Review status: criteria provided, multiple submitters, no conflicts (2 of 4 stars). 2 submissions from 2 submitters: Uncertain significance (2). Last evaluated 2025-12-24.

Conditions:
Charcot-Marie-Tooth disease type 2. Also called: Charcot-Marie-Tooth type 2. Identifiers: Orphanet 64746, MedGen C0270914, MONDO:0018993.

Submissions (2):

Labcorp Genetics (formerly Invitae), Labcorp
Classification: Uncertain significance for Charcot-Marie-Tooth disease type 2. Last evaluated: 2025-12-24. Review status: criteria provided, single submitter. Criteria: Invitae Variant Classification Sherloc (09022015). Collection method: clinical testing. Allele origin: germline.
Comment: This sequence change replaces arginine, which is basic and polar, with isoleucine, which is neutral and non-polar, at codon 541 of the KIF1B protein (p.Arg541Ile). This variant is not present in population databases (gnomAD no frequency). This variant has not been reported in the literature in individuals affected with KIF1B-related conditions. ClinVar contains an entry for this variant (Variation ID: 3533896). An algorithm developed to predict the effect of missense changes on protein structure and function (PolyPhen-2) suggests that this variant is likely to be disruptive. In summary, the available evidence is currently insufficient to determine the role of this variant in disease. Therefore, it has been classified as a Variant of Uncertain Significance.

Ambry Genetics
Classification: Uncertain significance. Last evaluated: 2024-10-11. Review status: criteria provided, single submitter. Criteria: Ambry Variant Classification Scheme 2023. Collection method: clinical testing. Allele origin: germline.
Comment: The p.R541I variant (also known as c.1622G>T), located in coding exon 16 of the KIF1B gene, results from a G to T substitution at nucleotide position 1622. The arginine at codon 541 is replaced by isoleucine, an amino acid with similar properties. This amino acid position is conserved. In addition, the in silico prediction for this alteration is inconclusive. Based on the available evidence, the clinical significance of this variant remains unclear.